The following is an entry in ClinVar:

NM_000548.5(TSC2):c.4446C>G (p.Ser1482Arg)

Gene: TSC2 (TSC complex subunit 2; plus strand). Cytogenetic location: 16p13.3.
Variant type: single nucleotide variant.
Coding change: c.4446C>G on transcript NM_000548.5 (MANE Select); coding-DNA position 4446, C replaced by G.
Protein change: p.Ser1482Arg; replaces serine 1482 with arginine.
Molecular consequence: missense variant.
Genome position (GRCh38, 1-based): chr16:2,084,668, C>G. VCF-style: chr16-2084668-C-G. GRCh37 (hg19) VCF-style: chr16-2134669-C-G.
Other names: c.4227C>G, p.Ser1409Arg (NM_001406676.1); c.4098C>G, p.Ser1366Arg (NM_001406679.1); c.3846C>G, p.Ser1282Arg (NM_001406680.1); c.3786C>G, p.Ser1262Arg (NM_001406681.1); c.3777C>G, p.Ser1259Arg (NM_001406682.1, NM_001406683.1); c.3774C>G, p.Ser1258Arg (NM_001406684.1); c.3648C>G, p.Ser1216Arg (NM_001406685.1, NM_001406686.1); c.4188C>G, p.Ser1396Arg (NM_001406677.1); and 26 more; short protein forms S1011R, S1238R, S1258R, S1379R, S1409R, S1415R, S1422R, S1439R.
Identifiers: ClinVar variation 1919785 (VCV001919785.6), dbSNP rs780955293, ClinGen allele CA394302383.

ClinVar aggregate classification (germline): Uncertain significance. Review status: criteria provided, multiple submitters, no conflicts (2 of 4 stars). 2 submissions from 2 submitters: Uncertain significance (2). Last evaluated 2025-06-02.

Conditions:
Hereditary cancer-predisposing syndrome. Also called: Neoplastic Syndromes, Hereditary; Tumor predisposition; Hereditary neoplastic syndrome; Hereditary Cancer Syndrome. Identifiers: Orphanet 140162, MedGen C0027672, MeSH D009386, MONDO:0015356.
Tuberous sclerosis 2 (TSC2). Identifiers: Orphanet 805, MedGen C1860707, MONDO:0013199, OMIM 613254.

Submissions (2):

Ambry Genetics
Classification: Uncertain significance for Hereditary cancer-predisposing syndrome. Last evaluated: 2025-06-02. Review status: criteria provided, single submitter. Criteria: Ambry Variant Classification Scheme 2023. Collection method: clinical testing. Allele origin: germline.
Comment: The p.S1482R variant (also known as c.4446C>G), located in coding exon 33 of the TSC2 gene, results from a C to G substitution at nucleotide position 4446. The serine at codon 1482 is replaced by arginine, an amino acid with dissimilar properties. This amino acid position is conserved. In addition, the in silico prediction for this alteration is inconclusive. Based on the available evidence, the clinical significance of this variant remains unclear.

Labcorp Genetics (formerly Invitae), Labcorp
Classification: Uncertain significance for Tuberous sclerosis 2. Last evaluated: 2024-01-25. Review status: criteria provided, single submitter. Criteria: Invitae Variant Classification Sherloc (09022015). Collection method: clinical testing. Allele origin: germline.
Comment: This sequence change replaces serine, which is neutral and polar, with arginine, which is basic and polar, at codon 1482 of the TSC2 protein (p.Ser1482Arg). This variant is not present in population databases (gnomAD no frequency). This variant has not been reported in the literature in individuals affected with TSC2-related conditions. ClinVar contains an entry for this variant (Variation ID: 1919785). Advanced modeling of protein sequence and biophysical properties (such as structural, functional, and spatial information, amino acid conservation, physicochemical variation, residue mobility, and thermodynamic stability) performed at Invitae indicates that this missense variant is not expected to disrupt TSC2 protein function with a negative predictive value of 95%. In summary, the available evidence is currently insufficient to determine the role of this variant in disease. Therefore, it has been classified as a Variant of Uncertain Significance.